The following is an entry in ClinVar:

NM_139279.6(MCFD2):c.*3318T>C

Genes: MCFD2 (multiple coagulation factor deficiency 2, ER cargo receptor complex subunit; minus strand), MCFD2-AS1 (MCFD2 antisense RNA 1; plus strand). Cytogenetic location: 2p21.
Variant type: single nucleotide variant.
Coding change: c.*3318T>C on transcript NM_139279.6 (MANE Select); 3318 bases downstream of the stop codon, T replaced by C.
Molecular consequence: 3 prime UTR variant.
Genome position (GRCh38, 1-based): chr2:46,902,145, A>G on the plus strand (T>C on the coding strand, the complement: MCFD2 is on the minus strand). VCF-style: chr2-46902145-A-G. GRCh37 (hg19) VCF-style: chr2-47129284-A-G.
Other names: c.*3318T>C (NM_001171506.2, NM_001171507.2, NM_001171508.2 and 3 more transcripts).
Identifiers: ClinVar variation 336326 (VCV000336326.5), dbSNP rs8861, ClinGen allele CA10613993.

ClinVar aggregate classification (germline): Benign (1 of 4 stars; one submission).

Conditions:
Factor 5 and Factor VIII, combined deficiency of, 2. Identifiers: Orphanet 35909, MedGen C3150889, MONDO:0013331, OMIM 613625.

Allele frequency attached by ClinVar (database versions not stated): 1000 Genomes Project 0.08906; gnomAD 0.05885 and 0.05933; TOPMed 0.06482; gnomAD exomes 0.02570; 1000 Genomes Project 30x 0.09104.
gnomAD v4.1: 8,965 of 152,726 alleles (5.9%); highest among the groups gnomAD compares: African/African-American, 12%; 455 homozygotes.

Submission:

Illumina Laboratory Services, Illumina
Classification: Benign for Factor 5 and Factor VIII, combined deficiency of, 2. Last evaluated: 2018-01-13. Review status: criteria provided, single submitter. Criteria: ICSL Variant Classification Criteria 13 December 2019. Collection method: clinical testing. Allele origin: germline.
Comment: This variant was observed in the ICSL laboratory as part of a predisposition screen in an ostensibly healthy population. It had not been previously curated by ICSL or reported in the Human Gene Mutation Database (HGMD: prior to June 1st, 2018), and was therefore a candidate for classification through an automated scoring system. Utilizing variant allele frequency, disease prevalence and penetrance estimates, and inheritance mode, an automated score was calculated to assess if this variant is too frequent to cause the disease. Based on the score and internal cut-off values, a variant classified as benign is not then subjected to further curation. The score for this variant resulted in a classification of benign for this disease.